The following is an entry in ClinVar:

ClinVar aggregate classification (germline): Likely pathogenic (1 of 4 stars; one submission).

Conditions:
Primary ciliary dyskinesia. Also called: Ciliary dyskinesia. Identifiers: Orphanet 244, MedGen C0008780, MONDO:0016575, HP:0012265.

Submission:

Labcorp Genetics (formerly Invitae), Labcorp
Classification: Likely pathogenic for Primary ciliary dyskinesia. Last evaluated: 2023-12-01. Review status: criteria provided, single submitter. Criteria: Invitae Variant Classification Sherloc (09022015). Collection method: clinical testing. Allele origin: germline.
Comment: This sequence change affects an acceptor splice site in intron 61 of the DNAH5 gene. It is expected to disrupt RNA splicing. Variants that disrupt the donor or acceptor splice site typically lead to a loss of protein function (PMID: 16199547), and loss-of-function variants in DNAH5 are known to be pathogenic (PMID: 11788826, 16627867). This variant is not present in population databases (gnomAD no frequency). This variant has not been reported in the literature in individuals affected with DNAH5-related conditions. Algorithms developed to predict the effect of sequence changes on RNA splicing suggest that this variant may disrupt the consensus splice site. In summary, the currently available evidence indicates that the variant is pathogenic, but additional data are needed to prove that conclusively. Therefore, this variant has been classified as Likely Pathogenic.

Literature cited by the submitters: PubMed 16199547; PubMed 11788826; PubMed 16627867.

NM_001369.3(DNAH5):c.10420-1G>A

Gene: DNAH5 (dynein axonemal heavy chain 5; minus strand). Cytogenetic location: 5p15.2.
Variant type: single nucleotide variant.
Coding change: c.10420-1G>A on transcript NM_001369.3 (MANE Select); the canonical splice acceptor site of the intron before coding-DNA position 10420, G replaced by A.
Molecular consequence: splice acceptor variant.
Genome position (GRCh38, 1-based): chr5:13,754,339, C>T on the plus strand (G>A on the coding strand, the complement: DNAH5 is on the minus strand). VCF-style: chr5-13754339-C-T. GRCh37 (hg19) VCF-style: chr5-13754448-C-T.
Identifiers: ClinVar variation 2700114 (VCV002700114.3), dbSNP rs2546618925, ClinGen allele CA359194355.